The following is an entry in ClinVar:

ClinVar aggregate classification (germline): Uncertain significance (1 of 4 stars; one submission).

Submission:

Ambry Genetics
Classification: Uncertain significance. Last evaluated: 2025-08-20. Review status: criteria provided, single submitter. Criteria: Ambry Variant Classification Scheme 2023. Collection method: clinical testing. Allele origin: germline.
Comment: The p.K1007Q variant (also known as c.3019A>C), located in coding exon 11 of the CDK12 gene, results from an A to C substitution at nucleotide position 3019. The lysine at codon 1007 is replaced by glutamine, an amino acid with similar properties. This amino acid position is conserved. In addition, this alteration is predicted to be tolerated by in silico analysis. Based on the available evidence, the clinical significance of this variant remains unclear.

NM_016507.4(CDK12):c.3019A>C (p.Lys1007Gln)

Gene: CDK12 (cyclin dependent kinase 12; plus strand). Cytogenetic location: 17q12.
Variant type: single nucleotide variant.
Coding change: c.3019A>C on transcript NM_016507.4 (MANE Select); coding-DNA position 3019, A replaced by C.
Protein change: p.Lys1007Gln; replaces lysine 1007 with glutamine.
Molecular consequence: missense variant.
Genome position (GRCh38, 1-based): chr17:39,520,011, A>C. VCF-style: chr17-39520011-A-C. GRCh37 (hg19) VCF-style: chr17-37676264-A-C.
Other names: c.3019A>C, p.Lys1007Gln (NM_015083.4); short protein forms K1007Q.
Identifiers: ClinVar variation 4224398 (VCV004224398.1).
Genomic context (GRCh38, chr17:39,520,011, plus strand): 5'-CATAGCATTCCTTCTGCAGCACTTGATTTATTGGACCACATGCTGACACTAGATCCTAGT[A>C]AGCGGTGCACAGCTGAACAGACCCTACAGAGCGACTTCCTTAAAGATGTCGAACTCAGCA-3'
Protein context (NP_057591.2, residues 997-1017): LDHMLTLDPS[Lys1007Gln]RCTAEQTLQS